The following is an entry in ClinVar:

ClinVar aggregate classification (germline): Uncertain significance (1 of 4 stars; one submission).

Submission:

Labcorp Genetics (formerly Invitae), Labcorp
Classification: Uncertain significance. Last evaluated: 2024-10-27. Review status: criteria provided, single submitter. Criteria: Invitae Variant Classification Sherloc (09022015). Collection method: clinical testing. Allele origin: germline.
Comment: This sequence change replaces alanine, which is neutral and non-polar, with valine, which is neutral and non-polar, at codon 3 of the BMP2 protein (p.Ala3Val). This variant is not present in population databases (gnomAD no frequency). This variant has not been reported in the literature in individuals affected with BMP2-related conditions. An algorithm developed to predict the effect of missense changes on protein structure and function (PolyPhen-2) suggests that this variant is likely to be disruptive. In summary, the available evidence is currently insufficient to determine the role of this variant in disease. Therefore, it has been classified as a Variant of Uncertain Significance.

NM_001200.4(BMP2):c.8C>T (p.Ala3Val)

Gene: BMP2 (bone morphogenetic protein 2; plus strand). Cytogenetic location: 20p12.3.
Variant type: single nucleotide variant.
Coding change: c.8C>T on transcript NM_001200.4 (MANE Select); coding-DNA position 8, C replaced by T.
Protein change: p.Ala3Val; replaces alanine 3 with valine.
Molecular consequence: missense variant.
Genome position (GRCh38, 1-based): chr20:6,770,134, C>T. VCF-style: chr20-6770134-C-T. GRCh37 (hg19) VCF-style: chr20-6750781-C-T.
Other names: short protein forms A3V.
Identifiers: ClinVar variation 3698480 (VCV003698480.2).
Genomic context (GRCh38, chr20:6,770,134, plus strand): 5'-GGACTGGGCGGGGAACTCGGGTGACTCACGTCGGTCCTGTCCGCAGGTCGACCATGGTGG[C>T]CGGGACCCGCTGTCTTCTAGCGTTGCTGCTTCCCCAGGTCCTCCTGGGCGGCGCGGCTGG-3'
Protein context (NP_001191.1, residues 1-13): MV[Ala3Val]GTRCLLALLL